The following is an entry in ClinVar:

ClinVar aggregate classification (germline): Benign. Review status: criteria provided, multiple submitters, no conflicts (2 of 4 stars). 3 submissions from 3 submitters: Benign (2). 1 of the submissions does not count toward it. Last evaluated 2025-12-26.

Conditions:
CHRDL1-related disorder. Also called: CHRDL1-related condition.

Allele frequency attached by ClinVar (database versions not stated): ExAC 0.00443; gnomAD 0.00916 and 0.00958; TOPMed 0.01033; ESP Exome Variant Server 0.01155; 1000 Genomes Project 0.01404; 1000 Genomes Project 30x 0.01457.
gnomAD v4.1: 2,488 of 1,202,666 alleles (0.21%); highest among the groups gnomAD compares: African/African-American, 2.9%; 21 homozygotes.

Submissions (3):

Labcorp Genetics (formerly Invitae), Labcorp
Classification: Benign. Last evaluated: 2025-12-26. Review status: criteria provided, single submitter. Criteria: Invitae Variant Classification Sherloc (09022015). Collection method: clinical testing. Allele origin: germline.

Breakthrough Genomics
Classification: Benign. Review status: criteria provided, single submitter. Criteria: ACMG Guidelines, 2015. Collection method: not provided. Allele origin: germline. Inheritance: X-linked inheritance. Affected: yes.

PreventionGenetics, part of Exact Sciences
Classification: Benign for CHRDL1-related condition. Last evaluated: 2019-06-12. Review status: no assertion criteria provided. Collection method: clinical testing. Allele origin: germline. Not counted in ClinVar's aggregate classification.
Comment: This variant is classified as benign based on ACMG/AMP sequence variant interpretation guidelines (Richards et al. 2015 PMID: 25741868, with internal and published modifications).

NM_001143981.2(CHRDL1):c.626G>A (p.Arg209His)

Gene: CHRDL1 (chordin like 1; minus strand). Cytogenetic location: Xq23.
Variant type: single nucleotide variant.
Coding change: c.626G>A on transcript NM_001143981.2 (MANE Select); coding-DNA position 626, G replaced by A.
Protein change: p.Arg209His; replaces arginine 209 with histidine.
Molecular consequence: missense variant. On other transcripts: non-coding transcript variant (1).
Genome position (GRCh38, 1-based): chrX:110,694,315, C>T on the plus strand (G>A on the coding strand, the complement: CHRDL1 is on the minus strand). VCF-style: chrX-110694315-C-T. GRCh37 (hg19) VCF-style: chrX-109937543-C-T.
Other names: c.623G>A, p.Arg208His (NM_001143982.2, NM_001367207.1, NM_145234.4); c.386G>A, p.Arg129His (NM_001143983.3); c.626G>A, p.Arg209His (NM_001367204.1, NM_001367205.1, NM_001367206.1 and 2 more transcripts); short protein forms R209H, R129H, R208H.
Identifiers: ClinVar variation 788059 (VCV000788059.7), dbSNP rs12688415, ClinGen allele CA10492416.